The following is an entry in ClinVar:

NM_000136.3(FANCC):c.*1871G>A

Genes: AOPEP (aminopeptidase O (putative); plus strand), FANCC (FA complementation group C; minus strand). Cytogenetic location: 9q22.32.
Variant type: single nucleotide variant.
Coding change: c.*1871G>A on transcript NM_000136.3 (MANE Select); 1871 bases downstream of the stop codon, G replaced by A.
Molecular consequence: 3 prime UTR variant.
Genome position (GRCh38, 1-based): chr9:95,099,836, C>T on the plus strand (G>A on the coding strand, the complement: FANCC is on the minus strand). VCF-style: chr9-95099836-C-T. GRCh37 (hg19) VCF-style: chr9-97862118-C-T.
Other names: c.*1871G>A (NM_001243743.2).
Identifiers: ClinVar variation 367581 (VCV000367581.6), dbSNP rs4647558, ClinGen allele CA10634501.

ClinVar aggregate classification (germline): Benign. Review status: criteria provided, multiple submitters, no conflicts (2 of 4 stars). 2 submissions from 2 submitters: Benign (2). Last evaluated 2018-01-13.

Conditions:
Fanconi anemia complementation group C (FANCC). Also called: FANCONI PANCYTOPENIA, TYPE 3; FACC; Fanconi anemia, group C; FANCC-Related Fanconi Anemia. Identifiers: Orphanet 84, MedGen C3468041, MONDO:0009213, OMIM 227645.

Allele frequency attached by ClinVar (database versions not stated): gnomAD 0.36840 and 0.37446; TOPMed 0.36917; 1000 Genomes Project 30x 0.40693; gnomAD exomes 0.41323; 1000 Genomes Project 0.41354.
gnomAD v4.1: 90,046 of 232,466 alleles (39%); highest among the groups gnomAD compares: East Asian, 57%; 18,478 homozygotes.

Submissions (2):

Illumina Laboratory Services, Illumina
Classification: Benign for Fanconi anemia complementation group C. Last evaluated: 2018-01-13. Review status: criteria provided, single submitter. Criteria: ICSL Variant Classification Criteria 13 December 2019. Collection method: clinical testing. Allele origin: germline.
Comment: This variant was observed in the ICSL laboratory as part of a predisposition screen in an ostensibly healthy population. It had not been previously curated by ICSL or reported in the Human Gene Mutation Database (HGMD: prior to June 1st, 2018), and was therefore a candidate for classification through an automated scoring system. Utilizing variant allele frequency, disease prevalence and penetrance estimates, and inheritance mode, an automated score was calculated to assess if this variant is too frequent to cause the disease. Based on the score and internal cut-off values, a variant classified as benign is not then subjected to further curation. The score for this variant resulted in a classification of benign for this disease.

Breakthrough Genomics
Classification: Benign. Review status: criteria provided, single submitter. Criteria: ACMG Guidelines, 2015. Collection method: not provided. Allele origin: germline. Inheritance: Autosomal recessive inheritance. Affected: yes.